The following is an entry in ClinVar:

ClinVar aggregate classification (germline): Uncertain significance (1 of 4 stars; one submission).

gnomAD v4.1: 1 of 1,613,992 alleles (0.000062%); highest among the groups gnomAD compares: Admixed American, 0.0017%; no homozygotes.

Submission:

Labcorp Genetics (formerly Invitae), Labcorp
Classification: Uncertain significance. Last evaluated: 2025-11-20. Review status: criteria provided, single submitter. Criteria: Invitae Variant Classification Sherloc (09022015). Collection method: clinical testing. Allele origin: germline.
Comment: This sequence change creates a premature translational stop signal (p.Tyr771*) in the NYNRIN gene. It is expected to result in an absent or disrupted protein product. However, the current clinical and genetic evidence is not sufficient to establish whether loss-of-function variants in NYNRIN cause disease. This variant is present in population databases (no rsID available, gnomAD 0.003%). This variant has not been reported in the literature in individuals affected with NYNRIN-related conditions. In summary, the available evidence is currently insufficient to determine the role of this variant in disease. Therefore, it has been classified as a Variant of Uncertain Significance.

NM_025081.3(NYNRIN):c.2313C>A (p.Tyr771Ter)

Gene: NYNRIN (NYN domain and retroviral integrase containing; plus strand). Cytogenetic location: 14q12.
Variant type: single nucleotide variant.
Coding change: c.2313C>A on transcript NM_025081.3 (MANE Select); coding-DNA position 2313, C replaced by A.
Protein change: p.Tyr771Ter; replaces tyrosine 771 with a stop codon.
Molecular consequence: nonsense.
Genome position (GRCh38, 1-based): chr14:24,410,107, C>A. VCF-style: chr14-24410107-C-A. GRCh37 (hg19) VCF-style: chr14-24879313-C-A.
Other names: short protein forms Y771*.
Identifiers: ClinVar variation 4798822 (VCV004798822.1).
Genomic context (GRCh38, chr14:24,410,107, plus strand): 5'-CCCAAGGCAGCCACCTCGCCACCTGCAAGCGAACAGCACAGTGACCAGCTTCCAGAGGTA[C>A]CACGAGGCCCTGAATACACCCTTCGAGCTGAACCTGTCAGGGGAACCTGGAAACCAGGGG-3'